The following is an entry in ClinVar:

ClinVar aggregate classification (germline): Likely pathogenic (1 of 4 stars; one submission).

Conditions:
Autosomal recessive nonsyndromic hearing loss 77. Identifiers: Orphanet 90636, MedGen C2746083, MONDO:0013119, OMIM 613079.

Submission:

Myriad Genetics, Inc.
Classification: Likely pathogenic for Autosomal recessive nonsyndromic hearing loss 77. Last evaluated: 2022-03-02. Review status: criteria provided, single submitter. Criteria: Myriad Women's Health Autosomal Recessive and X-Linked Classification Criteria (2021). Collection method: clinical testing. Allele origin: unknown.
Comment: NM_144612.6(LOXHD1):c.2395G>T(E799*) is expected to be pathogenic in the context of LOXHD1-related DFNB77 hearing loss and deafness. This variant is predicted to lead to an abnormal or absent protein product due to the creation of a premature termination codon in LOXHD1, a gene where loss-of-function variants are known to be pathogenic. Please note: this variant was assessed in the context of healthy population screening.

NM_001384474.1(LOXHD1):c.2395G>T (p.Glu799Ter)

Gene: LOXHD1 (lipoxygenase homology PLAT domains 1; minus strand). Cytogenetic location: 18q21.1.
Variant type: single nucleotide variant.
Coding change: c.2395G>T on transcript NM_001384474.1 (MANE Select); coding-DNA position 2395, G replaced by T.
Protein change: p.Glu799Ter; replaces glutamic acid 799 with a stop codon.
Molecular consequence: nonsense.
Genome position (GRCh38, 1-based): chr18:46,566,299, C>A on the plus strand (G>T on the coding strand, the complement: LOXHD1 is on the minus strand). VCF-style: chr18-46566299-C-A. GRCh37 (hg19) VCF-style: chr18-44146262-C-A.
Other names: c.2395G>T, p.Glu799Ter (NM_144612.7); short protein forms E799*.
Identifiers: ClinVar variation 1724895 (VCV001724895.2), dbSNP rs2511850178, ClinGen allele CA402373829.